The following is an entry in ClinVar:

ClinVar aggregate classification (germline): Uncertain significance (1 of 4 stars; one submission).

Conditions:
Bailey-Bloch congenital myopathy (CMYO13). Also called: STAC3 disorder; Congenital myopathy 13; Native American myopathy. Identifiers: Orphanet 168572, MedGen C1850625, MONDO:0009722, OMIM 255995.

Submission:

Labcorp Genetics (formerly Invitae), Labcorp
Classification: Uncertain significance for Bailey-Bloch congenital myopathy. Last evaluated: 2019-08-02. Review status: criteria provided, single submitter. Criteria: Invitae Variant Classification Sherloc (09022015). Collection method: clinical testing. Allele origin: germline.
Comment: In summary, the available evidence is currently insufficient to determine the role of this variant in disease. Therefore, it has been classified as a Variant of Uncertain Significance. Nucleotide substitutions within the consensus splice site are a relatively common cause of aberrant splicing (PMID: 17576681, 9536098). Algorithms developed to predict the effect of sequence changes on RNA splicing suggest that this variant is not likely to affect RNA splicing, but this prediction has not been confirmed by published transcriptional studies. This variant has not been reported in the literature in individuals with STAC3-related conditions. This variant is not present in population databases (ExAC no frequency). This sequence change falls in intron 11 of the STAC3 gene. It does not directly change the encoded amino acid sequence of the STAC3 protein, but it affects a nucleotide within the consensus splice site of the intron.

Literature cited by the submitters: PubMed 17576681; PubMed 9536098.

NM_145064.3(STAC3):c.996+4G>A

Gene: STAC3 (SH3 and cysteine rich domain 3; minus strand). Cytogenetic location: 12q13.3.
Variant type: single nucleotide variant.
Coding change: c.996+4G>A on transcript NM_145064.3 (MANE Select); 4 bases into the intron after coding-DNA position 996, G replaced by A.
Molecular consequence: intron variant.
Genome position (GRCh38, 1-based): chr12:57,244,084, C>T on the plus strand (G>A on the coding strand, the complement: STAC3 is on the minus strand). VCF-style: chr12-57244084-C-T. GRCh37 (hg19) VCF-style: chr12-57637867-C-T.
Other names: c.438+4G>A (NM_001286257.2); c.879+4G>A (NM_001286256.2).
Identifiers: ClinVar variation 947915 (VCV000947915.8), dbSNP rs2037672628, ClinGen allele CA1139662751.
Genomic context (GRCh38, chr12:57,244,084, plus strand): 5'-CTCCAAGGAGTGTGGTGGGCTAGGGAGCATTCAGGCCTGGGATTGGGTTGGGGCAACAGC[C>T]TACCTGGTCCTTCTTGAGAGTGATCTGCCCTATCTCGCGGTTCCCCACGAAGGATCTCGT-3'